The following is an entry in ClinVar:

ClinVar aggregate classification (germline): Uncertain significance (1 of 4 stars; one submission).

Submission:

Laboratory for Molecular Medicine, Mass General Brigham Personalized Medicine
Classification: Uncertain significance. Last evaluated: 2015-06-24. Review status: criteria provided, single submitter. Criteria: LMM Criteria. Collection method: clinical testing. Allele origin: germline. Observed: 1 variant allele.
Comment: The p.Tyr18del variant in CHRM2 has not been previously reported in individuals with cardiomyopathy or in large population studies, though the ability of these studies to accurately detect indels may be limited. The CHRM2 gene is currently associated with DCM (Zhang 2008) but its variant spectrum is not well defined. T he p.Tyr18del variant is a deletion of 1 amino acid at position 18 and is not pr edicted to alter the protein reading frame. It is unclear if this deletion will impact the protein. In summary, the clinical significance of the p.Tyr18del vari ant is uncertain.

NM_001006630.2(CHRM2):c.52_54del (p.Tyr18del)

Genes: CHRM2 (cholinergic receptor muscarinic 2; plus strand), LOC349160 (uncharacterized LOC349160; minus strand). Cytogenetic location: 7q33.
Variant type: Deletion.
Coding change: c.52_54del on transcript NM_001006630.2 (MANE Select); coding-DNA positions 52 to 54, 3 bases deleted (TAT; older notation c.52_54delTAT).
Protein change: p.Tyr18del; deletes tyrosine 18.
Molecular consequence: inframe deletion.
Genome position (GRCh38, 1-based): chr7:137,014,917-137,014,919, TAT deleted; deleting any 3 consecutive bases within chr7:137,014,916-137,014,919 gives the same sequence; the c. name uses the placement nearest the transcript's 3' end. VCF-style (leftmost placement, unchanged base first): chr7-137014915-CTTA-C. GRCh37 (hg19) VCF-style: chr7-136699662-CTTA-C.
Other names: c.52_54del, p.Tyr18del (NM_000739.3, NM_001006626.3, NM_001006627.3 and 6 more transcripts); short protein forms Y18del.
Identifiers: ClinVar variation 228516 (VCV000228516.4), dbSNP rs876657763, ClinGen allele CA10576719.